The following is an entry in ClinVar:

ClinVar aggregate classification (germline): Uncertain significance. Review status: criteria provided, multiple submitters, no conflicts (2 of 4 stars). 2 submissions from 2 submitters: Uncertain significance (2). Last evaluated 2025-12-17.

Conditions:
Severe early-childhood-onset retinal dystrophy (STGD1). Also called: Stargardt macular dystrophy; Juvenile onset macular degeneration; Stargardt disease 1; MACULAR DYSTROPHY WITH FLECKS, TYPE 1; STGD. Identifiers: Orphanet 364055, Orphanet 827, MedGen C1855465, MeSH D000080362, MONDO:0009549, OMIM 248200.

gnomAD v4.1: 5 of 1,614,112 alleles (0.00031%); highest among the groups gnomAD compares: Non-Finnish European, 0.00042%; no homozygotes.

Submissions (2):

3billion
Classification: Uncertain significance for Severe early-childhood-onset retinal dystrophy. Last evaluated: 2025-12-17. Review status: criteria provided, single submitter. Criteria: ACMG Guidelines, 2015. Collection method: clinical testing. Allele origin: germline. Affected: yes.
Comment: The variant is observed at an extremely low frequency in the gnomAD v4.1.0 dataset (total allele frequency: <0.001%). Predicted Consequence/Location: Missense variant In silico tool predictions suggest damaging effect of the variant on gene or gene product [REVEL: 0.30 (>=0.6, sensitivity 0.68 and specificity 0.92); 3Cnet: 1.00 (> 0.75, sensitivity 0.96 and precision 0.92)]. Therefore, this variant is classified as VUS according to the recommendation of ACMG/AMP guideline.

Blueprint Genetics
Classification: Uncertain significance. Last evaluated: 2024-04-15. Review status: criteria provided, single submitter. Criteria: ACMG Guidelines, 2015. Collection method: clinical testing. Allele origin: germline.

NM_000350.3(ABCA4):c.5489G>A (p.Arg1830Lys)

Gene: ABCA4 (ATP binding cassette subfamily A member 4; minus strand). Cytogenetic location: 1p22.1.
Variant type: single nucleotide variant.
Coding change: c.5489G>A on transcript NM_000350.3 (MANE Select); coding-DNA position 5489, G replaced by A.
Protein change: p.Arg1830Lys; replaces arginine 1830 with lysine.
Molecular consequence: missense variant.
Genome position (GRCh38, 1-based): chr1:94,011,357, C>T on the plus strand (G>A on the coding strand, the complement: ABCA4 is on the minus strand). VCF-style: chr1-94011357-C-T. GRCh37 (hg19) VCF-style: chr1-94476913-C-T.
Other names: c.5267G>A, p.Arg1756Lys (NM_001425324.1); short protein forms R1756K, R1830K.
Identifiers: ClinVar variation 4855831 (VCV004855831.2).